The following is an entry in ClinVar:

ClinVar aggregate classification (germline): Uncertain significance (1 of 4 stars; one submission).

gnomAD v4.1: 14 of 1,583,966 alleles (0.00088%); highest among the groups gnomAD compares: Admixed American, 0.0035%; no homozygotes.

Submission:

Women's Health and Genetics/Laboratory Corporation of America, LabCorp
Classification: Uncertain significance. Last evaluated: 2025-03-05. Review status: criteria provided, single submitter. Criteria: LabCorp Variant Classification Summary - May 2015. Collection method: clinical testing. Allele origin: germline.
Comment: Variant summary: KMT2C c.1300A>C (p.Asn434His) results in a conservative amino acid change in the encoded protein sequence. Two of four in-silico tools predict a benign effect of the variant on protein function. Several computational tools predict a significant impact on normal splicing: Two predict the variant weakens a 3' acceptor site. One predict the variant abolishes a 3' acceptor site. However, these predictions have yet to be confirmed by functional studies. The variant allele was found at a frequency of 4.2e-06 in 238472 control chromosomes (gnomAD). The available data on variant occurrences in the general population are insufficient to allow any conclusion about variant significance. To our knowledge, no occurrence of c.1300A>C in individuals affected with Kleefstra Syndrome 2 and no experimental evidence demonstrating its impact on protein function have been reported. No submitters have cited clinical-significance assessments for this variant to ClinVar. Based on the evidence outlined above, the variant was classified as uncertain significance.

NM_170606.3(KMT2C):c.1300A>C (p.Asn434His)

Gene: KMT2C (lysine methyltransferase 2C; minus strand). Cytogenetic location: 7q36.1.
Variant type: single nucleotide variant.
Coding change: c.1300A>C on transcript NM_170606.3 (MANE Select); coding-DNA position 1300, A replaced by C.
Protein change: p.Asn434His; replaces asparagine 434 with histidine.
Molecular consequence: missense variant.
Genome position (GRCh38, 1-based): chr7:152,252,715, T>G on the plus strand (A>C on the coding strand, the complement: KMT2C is on the minus strand). VCF-style: chr7-152252715-T-G. GRCh37 (hg19) VCF-style: chr7-151949800-T-G.
Other names: short protein forms N434H.
Identifiers: ClinVar variation 3895825 (VCV003895825.1).
Genomic context (GRCh38, chr7:152,252,715, plus strand): 5'-GGCAATTGTGGTGCCACTGAGAACTAGACCGTGTGCCACACTCTATACATATTCTGCAAT[T>G]CTAAACACCAGGAAAAATAAAAACAAAAACAGTTTGTTATGCATTTGTAATTGTAGTTCT-3'
Protein context (NP_733751.2, residues 424-444): SVPTNGWKCK[Asn434His]CRICIECGTR